The following is an entry in ClinVar:

ClinVar aggregate classification (germline): Uncertain significance. Review status: criteria provided, multiple submitters, no conflicts (2 of 4 stars). 2 submissions from 2 submitters: Uncertain significance (2). Last evaluated 2025-08-03.

Allele frequency attached by ClinVar (database versions not stated): ExAC 0.00004; gnomAD exomes 0.00004; gnomAD 0.00006; ESP Exome Variant Server 0.00008; TOPMed 0.00009.
gnomAD v4.1: 75 of 1,614,054 alleles (0.0046%); highest among the groups gnomAD compares: African/African-American, 0.011%; no homozygotes.

Submissions (2):

Ambry Genetics
Classification: Uncertain significance. Last evaluated: 2025-08-03. Review status: criteria provided, single submitter. Criteria: Ambry Variant Classification Scheme 2023. Collection method: clinical testing. Allele origin: germline.

Labcorp Genetics (formerly Invitae), Labcorp
Classification: Uncertain significance. Last evaluated: 2023-02-24. Review status: criteria provided, single submitter. Criteria: Invitae Variant Classification Sherloc (09022015). Collection method: clinical testing. Allele origin: germline.
Comment: In summary, the available evidence is currently insufficient to determine the role of this variant in disease. Therefore, it has been classified as a Variant of Uncertain Significance. An algorithm developed to predict the effect of missense changes on protein structure and function (PolyPhen-2) suggests that this variant is likely to be tolerated. This variant has not been reported in the literature in individuals affected with AGAP1-related conditions. This variant is present in population databases (rs372311210, gnomAD 0.02%). This sequence change replaces glutamic acid, which is acidic and polar, with lysine, which is basic and polar, at codon 575 of the AGAP1 protein (p.Glu575Lys).

NM_001037131.3(AGAP1):c.1882G>A (p.Glu628Lys)

Gene: AGAP1 (ArfGAP with GTPase domain, ankyrin repeat and PH domain 1; plus strand). Cytogenetic location: 2q37.2.
Variant type: single nucleotide variant.
Coding change: c.1882G>A on transcript NM_001037131.3 (MANE Select); coding-DNA position 1882, G replaced by A.
Protein change: p.Glu628Lys; replaces glutamic acid 628 with lysine.
Molecular consequence: missense variant.
Genome position (GRCh38, 1-based): chr2:236,040,832, G>A. VCF-style: chr2-236040832-G-A. GRCh37 (hg19) VCF-style: chr2-236949476-G-A.
Other names: c.1723G>A, p.Glu575Lys (NM_014914.5); c.1882G>A (NM_001037131.2); short protein forms E575K, E628K.
Identifiers: ClinVar variation 2886508 (VCV002886508.4), dbSNP rs372311210, ClinGen allele CA2185055.